The following is an entry in ClinVar:

NM_016034.5(MRPS2):c.90C>T (p.Thr30=)

Gene: MRPS2 (mitochondrial ribosomal protein S2; plus strand). Cytogenetic location: 9q34.3.
Variant type: single nucleotide variant.
Coding change: c.90C>T on transcript NM_016034.5 (MANE Select); coding-DNA position 90, C replaced by T.
Protein change: p.Thr30=; no amino-acid change (threonine 30 retained).
Molecular consequence: synonymous variant. On other transcripts: non-coding transcript variant (4).
Genome position (GRCh38, 1-based): chr9:135,501,044, C>T. VCF-style: chr9-135501044-C-T. GRCh37 (hg19) VCF-style: chr9-138392890-C-T.
Other names: c.90C>T, p.Thr30= (NM_001371401.1).
Identifiers: ClinVar variation 4980499 (VCV004980499.1).
Genomic context (GRCh38, chr9:135,501,044, plus strand): 5'-CTACTTCCCCCCAGGTGCCCGGGCCCCGTCGCGCTGGTTGGGCTTTCTCGGGAAGGCGAC[C>T]CCCCGGCCTGCTCGGCCGAGCCGCAGGACGCTTGGAAGCGCGACGGCCCTTATGATCCGC-3'
Protein context (NP_057118.1, residues 20-40): SRWLGFLGKA[Thr30=]PRPARPSRRT

ClinVar aggregate classification (germline): Likely benign (1 of 4 stars; one submission).

Conditions:
MRPS2-related disorder. Also called: MRPS2-related condition.

gnomAD v4.1: 22 of 1,611,138 alleles (0.0014%); highest among the groups gnomAD compares: East Asian, 0.036%; no homozygotes.

Submission:

PreventionGenetics, part of Exact Sciences
Classification: Likely benign for MRPS2-related condition. Last evaluated: 2026-03-02. Review status: criteria provided, single submitter. Criteria: ACMG Guidelines, 2015. Collection method: clinical testing. Allele origin: germline.
Comment: This variant is classified as likely benign based on ACMG/AMP sequence variant interpretation guidelines (Richards et al. 2015 PMID: 25741868, with internal and published modifications).